The following is an entry in ClinVar:

ClinVar aggregate classification (germline): Conflicting classifications of pathogenicity. Review status: criteria provided, conflicting classifications (1 of 4 stars). 3 submissions from 3 submitters: Pathogenic (2); Uncertain significance (1). Last evaluated 2025-07-08.

Conditions:
TARDBP-related disorder. Also called: TARDBP-related condition.
FRONTOTEMPORAL LOBAR DEGENERATION WITH TDP43 INCLUSIONS, TARDBP-RELATED. Also called: Frontotemporal lobar degeneration, TARDBP-related. Identifiers: MedGen C3150169, OMIM 612069.
Amyotrophic lateral sclerosis type 10 (ALS10). Also called: TARDBP-Related Amyotrophic Lateral Sclerosis-Frontotemporal Dementia; AMYOTROPHIC LATERAL SCLEROSIS 10 WITH OR WITHOUT FRONTOTEMPORAL DEMENTIA AND WITH TDP43 INCLUSIONS; AMYOTROPHIC LATERAL SCLEROSIS 10 WITH OR WITHOUT FRONTOTEMPORAL DEMENTIA; Amyotrophic lateral sclerosis 10, with or without FTD; AMYOTROPHIC LATERAL SCLEROSIS 10 WITHOUT FRONTOTEMPORAL DEMENTIA AND WITH TDP43 INCLUSIONS. Identifiers: Orphanet 275872, Orphanet 803, MedGen C2677565, MONDO:0012790, OMIM 612069.

Allele frequency attached by ClinVar (database versions not stated): gnomAD exomes below 0.00001; ExAC 0.00001; gnomAD 0.00001.
gnomAD v4.1: 1 of 1,583,944 alleles (0.000063%); highest among the groups gnomAD compares: Non-Finnish European, 0.000086%; no homozygotes.

Submissions (3):

PreventionGenetics, part of Exact Sciences
Classification: Pathogenic for TARDBP-related condition. Last evaluated: 2025-07-08. Review status: criteria provided, single submitter. Criteria: ACMG Guidelines, 2015. Collection method: clinical testing. Allele origin: germline.
Comment: The TARDBP c.1168A>G variant is predicted to result in the amino acid substitution p.Asn390Asp. This variant has been reported to be causative for amyotrophic lateral sclerosis (ALS) (Kabashi et al. 2008. PubMed ID: 18372902). A mouse knock-in model containing the p.Asn390Asp variant similarly developed ALS-TDP pathogenesis and neurodegeneration (Huang et al. 2020. PubMed ID: 31964415). This variant is located within the conserved C-terminal region of TARDBP, where missense change is not expected to be tolerated and is considered a hot spot for ALS-causing variants (Tiloca et al. 2022. PubMed ID: 36247987). This variant is reported in 0.00094% of alleles in individuals of European (Non-Finnish) descent in gnomAD. This variant is interpreted as pathogenic.

Labcorp Genetics (formerly Invitae), Labcorp
Classification: Uncertain significance for Amyotrophic lateral sclerosis type 10; FRONTOTEMPORAL LOBAR DEGENERATION WITH TDP43 INCLUSIONS, TARDBP-RELATED. Last evaluated: 2023-07-19. Review status: criteria provided, single submitter. Criteria: Invitae Variant Classification Sherloc (09022015). Collection method: clinical testing. Allele origin: germline.
Comment: This sequence change replaces asparagine, which is neutral and polar, with aspartic acid, which is acidic and polar, at codon 390 of the TARDBP protein (p.Asn390Asp). In summary, the available evidence is currently insufficient to determine the role of this variant in disease. Therefore, it has been classified as a Variant of Uncertain Significance. Experimental studies have shown that this missense change affects TARDBP function (PMID: 19465477, 19515851, 20806063, 23721326, 31964415). An algorithm developed to predict the effect of missense changes on protein structure and function (PolyPhen-2) suggests that this variant is likely to be tolerated. ClinVar contains an entry for this variant (Variation ID: 21477). This variant is also known as 1302A>G. This missense change has been observed in individual(s) with amyotrophic lateral sclerosis (PMID: 18372902, 20031275). This variant is present in population databases (rs80356741, gnomAD 0.001%).

GeneDx
Classification: Pathogenic. Last evaluated: 2020-09-04. Review status: criteria provided, single submitter. Criteria: GeneDx Variant Classification Process June 2021. Collection method: clinical testing. Allele origin: germline. Affected: yes.
Comment: Reported previously in an individual with amyotrophic lateral sclerosis (Kabashi et al., 2008); Published functional studies indicate that N390D disrupts protein function and promotes toxicity (Johnson et al., 2009; Nonaka et al., 2009; Voigt et al., 2010; Wu et al., 2013); Not observed at a significant frequency in large population cohorts (Lek et al., 2016); This variant is associated with the following publications: (PMID: 19411082, 20708823, 19655382, 21403029, 18779421, 18372902, 20806063, 23721326, 19465477, 19515851)

Literature cited by the submitters: PubMed 19465477 (cited by Labcorp Genetics (formerly Invitae), Labcorp); PubMed 19515851 (cited by Labcorp Genetics (formerly Invitae), Labcorp); PubMed 20806063 (cited by Labcorp Genetics (formerly Invitae), Labcorp); PubMed 23721326 (cited by Labcorp Genetics (formerly Invitae), Labcorp); PubMed 31964415 (cited by Labcorp Genetics (formerly Invitae), Labcorp); PubMed 18372902 (cited by Labcorp Genetics (formerly Invitae), Labcorp); PubMed 20031275 (cited by Labcorp Genetics (formerly Invitae), Labcorp).

NM_007375.4(TARDBP):c.1168A>G (p.Asn390Asp)

Gene: TARDBP (TAR DNA binding protein; plus strand). Cytogenetic location: 1p36.22.
Variant type: single nucleotide variant.
Coding change: c.1168A>G on transcript NM_007375.4 (MANE Select); coding-DNA position 1168, A replaced by G.
Protein change: p.Asn390Asp; replaces asparagine 390 with aspartic acid.
Molecular consequence: missense variant.
Genome position (GRCh38, 1-based): chr1:11,022,577, A>G. VCF-style: chr1-11022577-A-G. GRCh37 (hg19) VCF-style: chr1-11082634-A-G.
Other names: short protein forms N390D.
Identifiers: ClinVar variation 21477 (VCV000021477.10), dbSNP rs80356741, ClinGen allele CA586494.